The following is an entry in ClinVar:

ClinVar aggregate classification (germline): Benign. Review status: criteria provided, multiple submitters, no conflicts (2 of 4 stars). 2 submissions from 2 submitters: Benign (2). Last evaluated 2018-06-19.

Allele frequency attached by ClinVar (database versions not stated): 1000 Genomes Project 0.09145; 1000 Genomes Project 30x 0.09369; gnomAD exomes 0.11574; ExAC 0.11627; TOPMed 0.11988; gnomAD 0.12587 and 0.13007; ESP Exome Variant Server 0.14060.

Submissions (2):

GeneDx
Classification: Benign. Last evaluated: 2018-06-19. Review status: criteria provided, single submitter. Criteria: GeneDx Variant Classification (06012015). Collection method: clinical testing. Allele origin: germline. Affected: yes.
Comment: This variant is considered likely benign or benign based on one or more of the following criteria: it is a conservative change, it occurs at a poorly conserved position in the protein, it is predicted to be benign by multiple in silico algorithms, and/or has population frequency not consistent with disease.

Breakthrough Genomics
Classification: Benign. Review status: criteria provided, single submitter. Criteria: ACMG Guidelines, 2015. Collection method: not provided. Allele origin: germline. Inheritance: Autosomal recessive inheritance. Affected: yes.

NM_020549.5(CHAT):c.287-510C>T

Gene: CHAT (choline O-acetyltransferase; plus strand). Cytogenetic location: 10q11.23.
Variant type: single nucleotide variant.
Coding change: c.287-510C>T on transcript NM_020549.5 (MANE Select); 510 bases into the intron before coding-DNA position 287, C replaced by T.
Molecular consequence: intron variant.
Genome position (GRCh38, 1-based): chr10:49,615,992, C>T. VCF-style: chr10-49615992-C-T. GRCh37 (hg19) VCF-style: chr10-50824038-C-T.
Other names: c.-68-510C>T (NM_020984.4, NM_020985.4, NM_020986.4 and 1 more transcripts); c.-138-31C>T (NM_001142934.2); c.-30-31C>T (NM_001142933.2).
Identifiers: ClinVar variation 681271 (VCV000681271.2), dbSNP rs8178988, ClinGen allele CA5497048.